The following is an entry in ClinVar:

ClinVar aggregate classification (germline): Benign (1 of 4 stars; one submission).

Conditions:
SHANK2-related disorder.

Submission:

PreventionGenetics, part of Exact Sciences
Classification: Benign for SHANK2-related condition. Last evaluated: 2021-08-24. Review status: criteria provided, single submitter. Criteria: ACMG Guidelines, 2015. Collection method: clinical testing. Allele origin: germline.
Comment: This variant is classified as benign based on ACMG/AMP sequence variant interpretation guidelines (Richards et al. 2015 PMID: 25741868, with internal and published modifications).

NM_012309.5(SHANK2):c.1146C>T (p.Tyr382=)

Gene: SHANK2 (SH3 and multiple ankyrin repeat domains 2; minus strand). Cytogenetic location: 11q13.4.
Variant type: single nucleotide variant.
Coding change: c.1146C>T on transcript NM_012309.5 (MANE Select); coding-DNA position 1146, C replaced by T.
Protein change: p.Tyr382=; no amino-acid change (tyrosine 382 retained).
Molecular consequence: synonymous variant.
Genome position (GRCh38, 1-based): chr11:70,896,529, G>A on the plus strand (C>T on the coding strand, the complement: SHANK2 is on the minus strand). VCF-style: chr11-70896529-G-A. GRCh37 (hg19) VCF-style: chr11-70742634-G-A.
Identifiers: ClinVar variation 3038403 (VCV003038403.1), dbSNP rs1555075725, ClinGen allele CA475813798.